The following is an entry in ClinVar:

NM_002528.7(NTHL1):c.143A>T (p.Lys48Met)

Gene: NTHL1 (nth like DNA glycosylase 1; minus strand). Cytogenetic location: 16p13.3.
Variant type: single nucleotide variant.
Coding change: c.143A>T on transcript NM_002528.7 (MANE Select); coding-DNA position 143, A replaced by T.
Protein change: p.Lys48Met; replaces lysine 48 with methionine.
Molecular consequence: missense variant. On other transcripts: 5 prime UTR variant (1).
Genome position (GRCh38, 1-based): chr16:2,046,339, T>A on the plus strand (A>T on the coding strand, the complement: NTHL1 is on the minus strand). VCF-style: chr16-2046339-T-A. GRCh37 (hg19) VCF-style: chr16-2096340-T-A.
Other names: c.143A>T, p.Lys48Met (NM_001318193.2); c.-36A>T (NM_001318194.2); short protein forms K48M.
Identifiers: ClinVar variation 4842852 (VCV004842852.1).

ClinVar aggregate classification (germline): Uncertain significance (1 of 4 stars; one submission).

Conditions:
Hereditary cancer-predisposing syndrome. Also called: Neoplastic Syndromes, Hereditary; Tumor predisposition; Hereditary Cancer Syndrome; Hereditary neoplastic syndrome. Identifiers: Orphanet 140162, MedGen C0027672, MeSH D009386, MONDO:0015356.

Submission:

Ambry Genetics
Classification: Uncertain significance for Hereditary cancer-predisposing syndrome. Last evaluated: 2026-01-03. Review status: criteria provided, single submitter. Criteria: Ambry Variant Classification Scheme 2023. Collection method: clinical testing. Allele origin: germline.
Comment: The p.K56M variant (also known as c.167A>T), located in coding exon 2 of the NTHL1 gene, results from an A to T substitution at nucleotide position 167. The lysine at codon 56 is replaced by methionine, an amino acid with similar properties. This amino acid position is conserved. In addition, this alteration is predicted to be tolerated by in silico analysis. Based on the available evidence, the clinical significance of this variant remains unclear.